The following is an entry in ClinVar:

NM_000059.4(BRCA2):c.6338A>G (p.Asn2113Ser)

Gene: BRCA2 (BRCA2 DNA repair associated; plus strand). Cytogenetic location: 13q13.1.
Variant type: single nucleotide variant.
Coding change: c.6338A>G on transcript NM_000059.4 (MANE Select); coding-DNA position 6338, A replaced by G.
Protein change: p.Asn2113Ser; replaces asparagine 2113 with serine.
Molecular consequence: missense variant.
Genome position (GRCh38, 1-based): chr13:32,340,693, A>G. VCF-style: chr13-32340693-A-G. GRCh37 (hg19) VCF-style: chr13-32914830-A-G.
Other names: p.N2113S:AAC>AGC; 6566A>G; short protein forms N2113S.
Identifiers: ClinVar variation 38039 (VCV000038039.44), dbSNP rs80358874, ClinGen allele CA023931.
Genomic context (GRCh38, chr13:32,340,693, plus strand): 5'-ACTATTCACCTACGTCTAGACAAAATGTATCAAAAATACTTCCTCGTGTTGATAAGAGAA[A>G]CCCAGAGCACTGTGTAAACTCAGAAATGGAAAAAACCTGCAGTAAAGAATTTAAATTATC-3'
Protein context (NP_000050.3, residues 2103-2123): SKILPRVDKR[Asn2113Ser]PEHCVNSEME

ClinVar aggregate classification (germline): Benign. Review status: reviewed by expert panel (3 of 4 stars). 19 submissions from 19 submitters: Benign (1). 18 of the submissions do not count toward it. Last evaluated 2015-08-10.

Conditions:
Breast and/or ovarian cancer. Identifiers: MedGen CN221562.
Hereditary cancer-predisposing syndrome. Also called: Neoplastic Syndromes, Hereditary; Tumor predisposition; Hereditary Cancer Syndrome; Hereditary neoplastic syndrome. Identifiers: Orphanet 140162, MedGen C0027672, MeSH D009386, MONDO:0015356.
Hereditary breast ovarian cancer syndrome. Also called: Hereditary breast and ovarian cancer; Breast and ovarian cancer; Hereditary breast and/or ovarian cancer syndrome; Hereditary breast and ovarian cancer syndrome (HBOC); Hereditary breast and ovarian cancer syndrome; BRCA1- and BRCA2-Associated Hereditary Breast and Ovarian Cancer. Identifiers: Orphanet 145, MedGen C0677776, MeSH D061325, MONDO:0003582. Disease mechanism: loss of function.
Breast-ovarian cancer, familial, susceptibility to, 2 (BROVCA2). Also called: BRCA2 Hereditary Breast and Ovarian Cancer. Identifiers: Orphanet 145, MedGen C2675520, MONDO:0012933, OMIM 612555. Disease mechanism: loss of function.
Malignant tumor of breast. Also called: Malignant breast neoplasm; Cancer breast. Identifiers: MedGen C0006142, MONDO:0007254. Disease mechanism: loss of function.

Allele frequency attached by ClinVar (database versions not stated): gnomAD exomes 0.00005 and 0.00012; ExAC 0.00007; ESP Exome Variant Server 0.00008; TOPMed 0.00008; gnomAD 0.00009 and 0.00011.

Submissions (19):

Evidence-based Network for the Interpretation of Germline Mutant Alleles (ENIGMA)
Classification: Benign for Breast-ovarian cancer, familial 2. Last evaluated: 2015-08-10. Review status: reviewed by expert panel. Criteria: ENIGMA BRCA1/2 Classification Criteria (2015). Collection method: curation. Allele origin: germline.
Comment: IARC class based on posterior probability from multifactorial likelihood analysis, thresholds for class as per Plon et al. 2008 (PMID: 18951446). Class 1 based on posterior probability = 0.0000000000117

Labcorp Genetics (formerly Invitae), Labcorp
Classification: Benign for Hereditary breast ovarian cancer syndrome. Last evaluated: 2026-01-19. Review status: criteria provided, single submitter. Criteria: Invitae Variant Classification Sherloc (09022015). Collection method: clinical testing. Allele origin: germline. Not counted in ClinVar's aggregate classification.

CeGaT Center for Human Genetics Tuebingen
Classification: Likely benign. Last evaluated: 2025-10-01. Review status: criteria provided, single submitter. Criteria: CeGaT Center For Human Genetics Tuebingen Variant Classification Criteria Version 2. Collection method: clinical testing. Allele origin: germline. Affected: yes. Observed: 2 variant alleles. Not counted in ClinVar's aggregate classification.
Comment: BRCA2: BP4, BS2

Center for Genomic Medicine, Rigshospitalet, Copenhagen University Hospital
Classification: Benign. Last evaluated: 2025-03-04. Review status: criteria provided, single submitter. Criteria: ACMG Guidelines, 2015. Collection method: clinical testing. Allele origin: germline. Not counted in ClinVar's aggregate classification.

Blueprint Genetics
Classification: Likely benign. Last evaluated: 2024-10-24. Review status: criteria provided, single submitter. Criteria: ACMG Guidelines, 2015. Collection method: clinical testing. Allele origin: germline. Not counted in ClinVar's aggregate classification.

Institute for Biomarker Research, Medical Diagnostic Laboratories, L.L.C.
Classification: Likely benign for Hereditary breast ovarian cancer syndrome. Last evaluated: 2023-03-30. Review status: criteria provided, single submitter. Criteria: ACMG Guidelines, 2015. Collection method: clinical testing. Allele origin: germline. Not counted in ClinVar's aggregate classification.

Sema4
Classification: Likely benign for Hereditary cancer-predisposing syndrome. Last evaluated: 2021-04-04. Review status: criteria provided, single submitter. Criteria: Sema4 Curation Guidelines. Collection method: curation. Allele origin: germline. Not counted in ClinVar's aggregate classification.

CHEO Genetics Diagnostic Laboratory, Children's Hospital of Eastern Ontario
Classification: Likely benign for Breast and/or ovarian cancer. Last evaluated: 2021-02-03. Review status: criteria provided, single submitter. Criteria: ACMG Guidelines, 2015. Collection method: clinical testing. Allele origin: germline. Not counted in ClinVar's aggregate classification.

Mendelics
Classification: Likely benign for Breast-ovarian cancer, familial, susceptibility to, 2. Last evaluated: 2019-05-28. Review status: criteria provided, single submitter. Criteria: Mendelics Assertion Criteria 2017. Collection method: clinical testing. Allele origin: unknown. Not counted in ClinVar's aggregate classification.

GeneDx
Classification: Likely benign. Last evaluated: 2017-10-30. Review status: criteria provided, single submitter. Criteria: GeneDx Variant Classification (06012015). Collection method: clinical testing. Allele origin: germline. Affected: yes. Not counted in ClinVar's aggregate classification.
Comment: This variant is considered likely benign or benign based on one or more of the following criteria: it is a conservative change, it occurs at a poorly conserved position in the protein, it is predicted to be benign by multiple in silico algorithms, and/or has population frequency not consistent with disease.

PreventionGenetics, part of Exact Sciences
Classification: Likely benign. Last evaluated: 2017-06-27. Review status: criteria provided, single submitter. Criteria: ACMG Guidelines, 2015. Collection method: clinical testing. Allele origin: germline. Not counted in ClinVar's aggregate classification.

Women's Health and Genetics/Laboratory Corporation of America, LabCorp
Classification: Benign. Last evaluated: 2017-01-30. Review status: criteria provided, single submitter. Criteria: LabCorp Variant Classification Summary - May 2015. Collection method: clinical testing. Allele origin: germline. Not counted in ClinVar's aggregate classification.
Comment: Variant summary: The BRCA2 c.6338A>G (p.Asn2113Ser) variant involves the alteration of a non-conserved nucleotide, which 3/5 in silico tools predict a benign outcome, although these predictions have yet to be functionally assessed. The variant of interest was observed in the large, broad control population, ExAC, with an allele frequency of 8/119730 (1/14662), which does not exceed the estimated maximal expected allele frequency for a pathogenic BRCA2 variant of 1/1333. Multiple publications have cited the variant in affected individuals that have also classified the variant as "benign/neutral." In addition, multiple clinical diagnostic laboratories/reputable databases classified this variant as likely benign/benign. In addition, BRCAshare, a reputable database that incorporates LCA samples indicates the variant co-occurred with another pathogenic BRCA2 variant, c.5576_5579delTTA in 3 individuals, along with an internal LCA sample reports the variant to co-occur with a BRCA1 pathogenic variant, c.68_29delAG. Therefore, taking all available lines of evidence into consideration, the variant of interest has been classified as Benign.

Color Diagnostics, LLC DBA Color Health
Classification: Likely benign for Hereditary cancer-predisposing syndrome. Last evaluated: 2015-04-21. Review status: criteria provided, single submitter. Criteria: ACMG Guidelines, 2015. Collection method: clinical testing. Allele origin: germline. Not counted in ClinVar's aggregate classification.

Ambry Genetics
Classification: Benign for Hereditary cancer-predisposing syndrome. Last evaluated: 2014-11-19. Review status: criteria provided, single submitter. Criteria: Ambry Variant Classification Scheme 2023. Collection method: clinical testing. Allele origin: germline. Not counted in ClinVar's aggregate classification.

Counsyl
Classification: Likely benign for Breast-ovarian cancer, familial 2. Last evaluated: 2014-10-14. Review status: no assertion criteria provided. Collection method: literature only. Allele origin: unknown. Inheritance: Autosomal dominant inheritance. Not counted in ClinVar's aggregate classification.

Biesecker Lab/Clinical Genomics Section, National Institutes of Health
Classification: Uncertain significance. Last evaluated: 2012-07-13. Review status: no assertion criteria provided. Collection method: research. Allele origin: germline. Affected: no. Observed: 1 variant allele. Study: ClinSeq. Not counted in ClinVar's aggregate classification.
ClinVar note: Converted during submission from variant of unknown significance to Uncertain significance.

Sharing Clinical Reports Project (SCRP)
Classification: Uncertain significance for Breast-ovarian cancer, familial 2. Last evaluated: 2006-03-08. Review status: no assertion criteria provided. Collection method: clinical testing. Allele origin: germline. Not counted in ClinVar's aggregate classification.

Breast Cancer Information Core (BIC) (BRCA2)
Classification: Uncertain significance for Breast-ovarian cancer, familial 2. Last evaluated: 2002-05-29. Review status: no assertion criteria provided. Collection method: clinical testing. Allele origin: germline. Affected: yes. Observed: 13 variant alleles. Not counted in ClinVar's aggregate classification.

Department of Pathology and Laboratory Medicine, Sinai Health System
Classification: Likely benign for Malignant tumor of breast. Review status: no assertion criteria provided. Collection method: clinical testing. Allele origin: unknown. Affected: yes. Observed: 1 variant allele. Study: The Canadian Open Genetics Repository (COGR). Not counted in ClinVar's aggregate classification.
Comment: The BRCA2 p.Asn2113Ser variant was identified in the literature however the frequency of this variant in an affected population was not provided. The variant was also identified in dbSNP (ID: rs80358874) as "With other allele", ClinVar (classified as benign by Invitae, Ambry Genetics and two other submitters; as likely benign by four submitters; as uncertain significance by three submitters), MutDB, LOVD 3.0 (5x), UMD-LSDB (6x as likely neutral), BIC Database (13x), and in ARUP Laboratories (not pathogenic or of no clinical significance) databases. The variant was not identified in COGR, Cosmic, or the Zhejiang University Database. The variant was identified in control databases in 30 of 271298 chromosomes at a frequency of 0.0001 increasing the likelihood this could be a low frequency benign variant (Genome Aggregation Database Feb 27, 2017). The variant was observed in the following populations: Other in 3 of 6322 chromosomes (freq: 0.0005), Latino in 6 of 33104 chromosomes (freq: 0.0002), European in 5 of 124988 chromosomes (freq: 0.00004), Ashkenazi Jewish in 16 of 9828 chromosomes (freq: 0.002), while the variant was not observed in the African, East Asian, Finnish, or South Asian populations. The p.Asn2113 residue is not conserved in mammals and computational analyses (PolyPhen-2, SIFT, AlignGVGD, BLOSUM, MutationTaster) do not suggest a high likelihood of impact to the protein; however, this information is not predictive enough to rule out pathogenicity. The variant occurs outside of the splicing consensus sequence and in silico or computational prediction software programs (SpliceSiteFinder, MaxEntScan, NNSPLICE, GeneSplicer) do not predict a difference in splicing. In addition, a systematic genetic assessment and multifactorial probability based model identified the variant has odds in favor of neutrality 1749 and posterior probability of being deleterious 1.17âˆšÃ³10-11 (Easton 2007, Lindor 2012). In summary, based on the above information the clinical significance of this variant cannot be determined with certainty at this time although we would lean towards a more benign role for this variant. This variant is classified as likely benign.

Literature cited by the submitters: PubMed 21990134 (cited by Evidence-based Network for the Interpretation of Germline Mutant Alleles (ENIGMA) and Women's Health and Genetics/Laboratory Corporation of America, LabCorp); PubMed 21120943 (cited by Women's Health and Genetics/Laboratory Corporation of America, LabCorp and Counsyl); PubMed 25348012 (cited by Women's Health and Genetics/Laboratory Corporation of America, LabCorp); PubMed 18284688 (cited by Women's Health and Genetics/Laboratory Corporation of America, LabCorp and Counsyl); PubMed 17924331 (cited by Women's Health and Genetics/Laboratory Corporation of America, LabCorp and Counsyl); PubMed 12161607 (cited by Women's Health and Genetics/Laboratory Corporation of America, LabCorp and Counsyl); PubMed 24323938 (cited by Women's Health and Genetics/Laboratory Corporation of America, LabCorp).